The following is an entry in ClinVar:

NM_133642.5(LARGE1):c.1730+239G>A

Gene: LARGE1 (LARGE xylosyl- and glucuronyltransferase 1; minus strand). Cytogenetic location: 22q12.3.
Variant type: single nucleotide variant.
Coding change: c.1730+239G>A on transcript NM_133642.5 (MANE Select); 239 bases into the intron after coding-DNA position 1730, G replaced by A.
Molecular consequence: intron variant.
Genome position (GRCh38, 1-based): chr22:33,303,990, C>T on the plus strand (G>A on the coding strand, the complement: LARGE1 is on the minus strand). VCF-style: chr22-33303990-C-T. GRCh37 (hg19) VCF-style: chr22-33699976-C-T.
Other names: c.1730+239G>A (NM_001362953.2, NM_001362949.2, NM_001378627.1 and 6 more transcripts); c.1574+239G>A (NM_001378629.1); c.971+239G>A (NM_001378631.1); c.1127+239G>A (NM_001378630.1).
Identifiers: ClinVar variation 678425 (VCV000678425.1), dbSNP rs75729506, ClinGen allele CA323711521.
Genomic context (GRCh38, chr22:33,303,990, plus strand): 5'-GGGTATGTTTTCATAGATGCTACAGAAAAAGCAATAGACTGGCAGACAAAAAGAGATGTT[C>T]GCTGGACCAAGCTCTGCCATCAACATTTCCTTCTGCAAACTCAGGTTTCAGTCTGTTCAC-3'

ClinVar aggregate classification (germline): Benign (1 of 4 stars; one submission).

Allele frequency attached by ClinVar (database versions not stated): gnomAD 0.02451 and 0.02621; TOPMed 0.02704; 1000 Genomes Project 0.03055; 1000 Genomes Project 30x 0.03186.
gnomAD v4.1: 3,687 of 152,338 alleles (2.4%); highest among the groups gnomAD compares: African/African-American, 8.5%; 134 homozygotes.

Submission:

GeneDx
Classification: Benign. Last evaluated: 2018-06-18. Review status: criteria provided, single submitter. Criteria: GeneDx Variant Classification (06012015). Collection method: clinical testing. Allele origin: germline. Affected: yes.
Comment: This variant is considered likely benign or benign based on one or more of the following criteria: it is a conservative change, it occurs at a poorly conserved position in the protein, it is predicted to be benign by multiple in silico algorithms, and/or has population frequency not consistent with disease.